The following is an entry in ClinVar:

NM_000059.4(BRCA2):c.1909+9_1909+11del

Gene: BRCA2 (BRCA2 DNA repair associated; plus strand). Cytogenetic location: 13q13.1.
Variant type: Deletion.
Coding change: c.1909+9_1909+11del on transcript NM_000059.4 (MANE Select); bases 9 to 11 of the intron after coding-DNA position 1909, 3 bases deleted (GTC; older notation c.1909+9_1909+11delGTC).
Molecular consequence: intron variant.
Genome position (GRCh38, 1-based): chr13:32,333,396-32,333,398, GTC deleted. VCF-style (leftmost placement, unchanged base first): chr13-32333395-TGTC-T. GRCh37 (hg19) VCF-style: chr13-32907532-TGTC-T.
Other names: c.1909+9_1909+11delGTC (NM_000059.3).
Identifiers: ClinVar variation 422775 (VCV000422775.1), dbSNP rs1064795988, ClinGen allele CA16619666.

ClinVar aggregate classification (germline): Likely benign (1 of 4 stars; one submission).

Submission:

GeneDx
Classification: Likely benign. Last evaluated: 2016-11-17. Review status: criteria provided, single submitter. Criteria: GeneDx Variant Classification (06012015). Collection method: clinical testing. Allele origin: germline. Affected: yes.
Comment: This variant is considered likely benign or benign based on one or more of the following criteria: it is a conservative change, it occurs at a poorly conserved position in the protein, it is predicted to be benign by multiple in silico algorithms, and/or has population frequency not consistent with disease.